The following is an entry in ClinVar:

ClinVar aggregate classification (germline): Likely benign. Review status: criteria provided, multiple submitters, no conflicts (2 of 4 stars). 4 submissions from 4 submitters: Likely benign (3). 1 of the submissions does not count toward it. Last evaluated 2023-03-01.

Conditions:
CSMD3-related disorder. Also called: CSMD3-related condition.

Allele frequency attached by ClinVar (database versions not stated): 1000 Genomes Project 0.00160; 1000 Genomes Project 30x 0.00187; TOPMed 0.00375; gnomAD 0.00377; gnomAD exomes 0.00393 and 0.00615; ExAC 0.00402; ESP Exome Variant Server 0.00531.
gnomAD v4.1: 9,538 of 1,612,174 alleles (0.59%); highest among the groups gnomAD compares: Non-Finnish European, 0.71%; 47 homozygotes.

Submissions (7):

CeGaT Center for Human Genetics Tuebingen
Classification: Likely benign. Last evaluated: 2023-03-01. Review status: criteria provided, single submitter. Criteria: CeGaT Center For Human Genetics Tuebingen Variant Classification Criteria Version 2. Collection method: clinical testing. Allele origin: germline. Affected: yes. Observed: 3 variant alleles.
Comment: CSMD3: BS2

Labcorp Genetics (formerly Invitae), Labcorp
Classification: Likely benign. Last evaluated: 2018-06-05. Review status: criteria provided, single submitter. Criteria: Invitae Variant Classification Sherloc (09022015). Collection method: clinical testing. Allele origin: germline.

Breakthrough Genomics
Classification: Likely benign. Review status: criteria provided, single submitter. Criteria: ACMG Guidelines, 2015. Collection method: not provided. Allele origin: germline. Inheritance: Unknown mechanism. Affected: yes.

PreventionGenetics, part of Exact Sciences
Classification: Likely benign for CSMD3-related condition. Last evaluated: 2019-06-21. Review status: no assertion criteria provided. Collection method: clinical testing. Allele origin: germline. Not counted in ClinVar's aggregate classification.
Comment: This variant is classified as likely benign based on ACMG/AMP sequence variant interpretation guidelines (Richards et al. 2015 PMID: 25741868, with internal and published modifications).

Dr. Peter K. Rogan Lab, Western University
No classification provided (evidence only). Condition: Lung cancer. Review status: no classification provided. Collection method: in vitro. Allele origin: not applicable. Functional consequence: retained intron. Not counted in ClinVar's aggregate classification.

Dr. Peter K. Rogan Lab, Western University
No classification provided (evidence only). Condition: Cervical cancer. Review status: no classification provided. Collection method: in vitro. Allele origin: not applicable. Functional consequence: retained intron. Not counted in ClinVar's aggregate classification.

Dr. Peter K. Rogan Lab, Western University
No classification provided (evidence only). Condition: Adrenocortical carcinoma, hereditary. Review status: no classification provided. Collection method: in vitro. Allele origin: not applicable. Functional consequence: retained intron. Not counted in ClinVar's aggregate classification.

NM_198123.2(CSMD3):c.3683G>A (p.Arg1228Gln)

Gene: CSMD3 (CUB and Sushi multiple domains 3; minus strand). Cytogenetic location: 8q23.3.
Variant type: single nucleotide variant.
Coding change: c.3683G>A on transcript NM_198123.2 (MANE Select); coding-DNA position 3683, G replaced by A.
Protein change: p.Arg1228Gln; replaces arginine 1228 with glutamine.
Molecular consequence: missense variant.
Genome position (GRCh38, 1-based): chr8:112,636,849, C>T on the plus strand (G>A on the coding strand, the complement: CSMD3 is on the minus strand). VCF-style: chr8-112636849-C-T. GRCh37 (hg19) VCF-style: chr8-113649078-C-T.
Other names: NC_000008.10:g.113649078C>T; c.3293G>A, p.Arg1098Gln (NM_001363185.1); c.3371G>A, p.Arg1124Gln (NM_052900.3); c.3563G>A, p.Arg1188Gln (NM_198124.2); short protein forms R1098Q, R1124Q, R1188Q, R1228Q.
Identifiers: ClinVar variation 782278 (VCV000782278.30), dbSNP rs61753739, ClinGen allele CA4850366.
Genomic context (GRCh38, chr8:112,636,849, plus strand): 5'-AAGCAAATGAAAGCAGCTGACCACGTACCCACACACCTTGGCAGAGGTGCACTCCACACT[C>T]GTCGGCCACCACCAAGACAGATGATCTCTGATGTTCCTTCCAGTCGATAACCCGAAGAGC-3'
Protein context (NP_937756.1, residues 1218-1238): SEIICLGGGR[Arg1228Gln]VWSAPLPRCV